The following is an entry in ClinVar:

NM_001330260.2(SCN8A):c.1355C>G (p.Ala452Gly)

Gene: SCN8A (sodium voltage-gated channel alpha subunit 8; plus strand). Cytogenetic location: 12q13.13.
Variant type: single nucleotide variant.
Coding change: c.1355C>G on transcript NM_001330260.2 (MANE Select); coding-DNA position 1355, C replaced by G.
Protein change: p.Ala452Gly; replaces alanine 452 with glycine.
Molecular consequence: missense variant.
Genome position (GRCh38, 1-based): chr12:51,706,435, C>G. VCF-style: chr12-51706435-C-G. GRCh37 (hg19) VCF-style: chr12-52100219-C-G.
Other names: c.1355C>G, p.Ala452Gly (NM_001177984.3, NM_001369788.1, NM_014191.4); short protein forms A452G.
Identifiers: ClinVar variation 5020150 (VCV005020150.1).

ClinVar aggregate classification (germline): Uncertain significance (1 of 4 stars; one submission).

Submission:

Dasa
Classification: Uncertain significance. Last evaluated: 2026-07-23. Review status: criteria provided, single submitter. Criteria: DASA Assertion Criteria. Collection method: clinical testing. Allele origin: germline.
Comment: NM_001330260.2(SCN8A):c.1355C>G (p.Ala452Gly) is a missense variant that results in the substitution of alanine with glycine. This variant is rare in population databases. The currently available literature and clinical evidence are not sufficient to establish a definitive association between this variant and the reported condition. Therefore, this variant is classified as a variant of uncertain significance.